The following is an entry in ClinVar:

NM_001276270.2(MBD4):c.569T>C (p.Met190Thr)

Gene: MBD4 (methyl-CpG binding domain 4, DNA glycosylase; minus strand). Cytogenetic location: 3q21.3.
Variant type: single nucleotide variant.
Coding change: c.569T>C on transcript NM_001276270.2 (MANE Select); coding-DNA position 569, T replaced by C.
Protein change: p.Met190Thr; replaces methionine 190 with threonine.
Molecular consequence: missense variant. On other transcripts: intron variant (1).
Genome position (GRCh38, 1-based): chr3:129,437,075, A>G on the plus strand (T>C on the coding strand, the complement: MBD4 is on the minus strand). VCF-style: chr3-129437075-A-G. GRCh37 (hg19) VCF-style: chr3-129155918-A-G.
Other names: c.569T>C, p.Met190Thr (NM_001276271.2, NM_001276272.2, NM_003925.3); c.247+733T>C (NM_001276273.2); short protein forms M190T.
Identifiers: ClinVar variation 4104657 (VCV004104657.1).

ClinVar aggregate classification (germline): Uncertain significance (1 of 4 stars; one submission).

Conditions:
Inborn genetic diseases. Identifiers: MedGen C0950123, MeSH D030342.

Submission:

Ambry Genetics
Classification: Uncertain significance for Inborn genetic diseases. Last evaluated: 2025-08-19. Review status: criteria provided, single submitter. Criteria: Ambry Variant Classification Scheme 2023. Collection method: clinical testing. Allele origin: germline.
Comment: The p.M190T variant (also known as c.569T>C), located in coding exon 3 of the MBD4 gene, results from a T to C substitution at nucleotide position 569. The methionine at codon 190 is replaced by threonine, an amino acid with similar properties. This amino acid position is conserved. In addition, this alteration is predicted to be tolerated by in silico analysis. Based on the available evidence, the clinical significance of this variant remains unclear.